The following is an entry in ClinVar:

ClinVar aggregate classification (germline): Uncertain significance (1 of 4 stars; one submission).

Conditions:
Hereditary spastic paraplegia 6 (SPG6). Also called: SPASTIC PARAPLEGIA 6, AUTOSOMAL DOMINANT. Identifiers: Orphanet 100988, MedGen C1838192, MONDO:0010878, OMIM 600363.

Submission:

Labcorp Genetics (formerly Invitae), Labcorp
Classification: Uncertain significance for Hereditary spastic paraplegia 6. Last evaluated: 2024-09-05. Review status: criteria provided, single submitter. Criteria: Invitae Variant Classification Sherloc (09022015). Collection method: clinical testing. Allele origin: germline.
Comment: This sequence change replaces alanine, which is neutral and non-polar, with threonine, which is neutral and polar, at codon 10 of the NIPA1 protein (p.Ala10Thr). This variant is not present in population databases (gnomAD no frequency). This variant has not been reported in the literature in individuals affected with NIPA1-related conditions. ClinVar contains an entry for this variant (Variation ID: 1995648). Experimental studies and prediction algorithms are not available or were not evaluated, and the functional significance of this variant is currently unknown. In summary, the available evidence is currently insufficient to determine the role of this variant in disease. Therefore, it has been classified as a Variant of Uncertain Significance.

NM_144599.5(NIPA1):c.28G>A (p.Ala10Thr)

Genes: NIPA1 (NIPA magnesium transporter 1; plus strand), LOC130056709 (ATAC-STARR-seq lymphoblastoid silent region 6259; plus strand). Cytogenetic location: 15q11.2.
Variant type: single nucleotide variant.
Coding change: c.28G>A on transcript NM_144599.5 (MANE Select); coding-DNA position 28, G replaced by A.
Protein change: p.Ala10Thr; replaces alanine 10 with threonine.
Molecular consequence: missense variant. On other transcripts: intron variant (1).
Genome position (GRCh38, 1-based): chr15:22,786,684, G>A. VCF-style: chr15-22786684-G-A. GRCh37 (hg19) VCF-style: chr15-23086384-C-T.
Other names: c.-48+436G>A (NM_001142275.1); short protein forms A10T.
Identifiers: ClinVar variation 1995648 (VCV001995648.4), dbSNP rs2504911401, ClinGen allele CA391298246.